The following is an entry in ClinVar:

ClinVar aggregate classification (germline): Uncertain significance (1 of 4 stars; one submission).

gnomAD v4.1: 1 of 1,614,194 alleles (0.000062%); highest among the groups gnomAD compares: Non-Finnish European, 0.000085%; no homozygotes.

Submission:

GeneDx
Classification: Uncertain significance. Last evaluated: 2024-06-25. Review status: criteria provided, single submitter. Criteria: GeneDx Variant Classification Process June 2021. Collection method: clinical testing. Allele origin: germline. Affected: yes.
Comment: Not observed at significant frequency in large population cohorts (gnomAD); In silico analysis supports that this missense variant has a deleterious effect on protein structure/function; Has not been previously published as pathogenic or benign to our knowledge

NM_004625.4(WNT7A):c.806T>G (p.Val269Gly)

Gene: WNT7A (Wnt family member 7A; minus strand). Cytogenetic location: 3p25.1.
Variant type: single nucleotide variant.
Coding change: c.806T>G on transcript NM_004625.4 (MANE Select); coding-DNA position 806, T replaced by G.
Protein change: p.Val269Gly; replaces valine 269 with glycine.
Molecular consequence: missense variant.
Genome position (GRCh38, 1-based): chr3:13,819,188, A>C on the plus strand (T>G on the coding strand, the complement: WNT7A is on the minus strand). VCF-style: chr3-13819188-A-C. GRCh37 (hg19) VCF-style: chr3-13860685-A-C.
Other names: short protein forms V269G.
Identifiers: ClinVar variation 3392754 (VCV003392754.1).